The following is an entry in ClinVar:

NM_001372043.1(PCSK5):c.5097C>T (p.His1699=)

Gene: PCSK5 (proprotein convertase subtilisin/kexin type 5; plus strand). Cytogenetic location: 9q21.13.
Variant type: single nucleotide variant.
Coding change: c.5097C>T on transcript NM_001372043.1 (MANE Select); coding-DNA position 5097, C replaced by T.
Protein change: p.His1699=; no amino-acid change (histidine 1699 retained).
Molecular consequence: synonymous variant.
Genome position (GRCh38, 1-based): chr9:76,354,062, C>T. VCF-style: chr9-76354062-C-T. GRCh37 (hg19) VCF-style: chr9-78968978-C-T.
Other names: c.5016C>T, p.His1672= (NM_001190482.2).
Identifiers: ClinVar variation 2659258 (VCV002659258.24), dbSNP rs746839814, ClinGen allele CA5088111.

ClinVar aggregate classification (germline): Likely benign (1 of 4 stars; one submission).

Allele frequency attached by ClinVar (database versions not stated): ExAC 0.00019.
gnomAD v4.1: 206 of 1,609,680 alleles (0.013%); highest among the groups gnomAD compares: African/African-American, 0.011%; no homozygotes.

Submission:

CeGaT Center for Human Genetics Tuebingen
Classification: Likely benign. Last evaluated: 2023-02-01. Review status: criteria provided, single submitter. Criteria: CeGaT Center For Human Genetics Tuebingen Variant Classification Criteria Version 2. Collection method: clinical testing. Allele origin: germline. Affected: yes. Observed: 1 variant allele.
Comment: PCSK5: BP4, BP7